The following is an entry in ClinVar:

ClinVar aggregate classification (germline): Uncertain significance (1 of 4 stars; one submission).

gnomAD v4.1: 10 of 1,613,874 alleles (0.00062%); highest among the groups gnomAD compares: African/African-American, 0.012%; no homozygotes.

Submission:

Labcorp Genetics (formerly Invitae), Labcorp
Classification: Uncertain significance. Last evaluated: 2025-07-30. Review status: criteria provided, single submitter. Criteria: Invitae Variant Classification Sherloc (09022015). Collection method: clinical testing. Allele origin: germline.
Comment: This sequence change replaces proline, which is neutral and non-polar, with leucine, which is neutral and non-polar, at codon 359 of the TUBA8 protein (p.Pro359Leu). This variant is present in population databases (rs73876568, gnomAD 0.02%). This variant has not been reported in the literature in individuals affected with TUBA8-related conditions. Invitae Evidence Modeling of protein sequence and biophysical properties (such as structural, functional, and spatial information, amino acid conservation, physicochemical variation, residue mobility, and thermodynamic stability) has been performed for this missense variant. However, the output from this modeling did not meet the statistical confidence thresholds required to predict the impact of this variant on TUBA8 protein function. In summary, the available evidence is currently insufficient to determine the role of this variant in disease. Therefore, it has been classified as a Variant of Uncertain Significance.

NM_018943.3(TUBA8):c.1076C>T (p.Pro359Leu)

Gene: TUBA8 (tubulin alpha 8; plus strand). Cytogenetic location: 22q11.21.
Variant type: single nucleotide variant.
Coding change: c.1076C>T on transcript NM_018943.3 (MANE Select); coding-DNA position 1076, C replaced by T.
Protein change: p.Pro359Leu; replaces proline 359 with leucine.
Molecular consequence: missense variant.
Genome position (GRCh38, 1-based): chr22:18,130,862, C>T. VCF-style: chr22-18130862-C-T. GRCh37 (hg19) VCF-style: chr22-18613629-C-T.
Other names: c.878C>T, p.Pro293Leu (NM_001193414.2); short protein forms P359L, P293L.
Identifiers: ClinVar variation 4773878 (VCV004773878.1).